The following is an entry in ClinVar:

ClinVar aggregate classification (germline): Uncertain significance. Review status: criteria provided, multiple submitters, no conflicts (2 of 4 stars). 2 submissions from 2 submitters: Uncertain significance (2). Last evaluated 2023-05-28.

Conditions:
Familial thoracic aortic aneurysm and aortic dissection (TAAD). Also called: Thoracic aortic aneurysms and dissections. Identifiers: Orphanet 91387, MedGen C4707243, MONDO:0019625.

Allele frequency attached by ClinVar (database versions not stated): gnomAD exomes below 0.00001; gnomAD 0.00001; TOPMed 0.00001.

Submissions (2):

Ambry Genetics
Classification: Uncertain significance for Familial thoracic aortic aneurysm and aortic dissection. Last evaluated: 2023-05-28. Review status: criteria provided, single submitter. Criteria: Ambry Variant Classification Scheme 2023. Collection method: clinical testing. Allele origin: germline.
Comment: The p.P1618S variant (also known as c.4852C>T), located in coding exon 26 of the NOTCH1 gene, results from a C to T substitution at nucleotide position 4852. The proline at codon 1618 is replaced by serine, an amino acid with similar properties. This amino acid position is conserved. In addition, the in silico prediction for this alteration is inconclusive. Since supporting evidence is limited at this time, the clinical significance of this alteration remains unclear.

GeneDx
Classification: Uncertain significance. Last evaluated: 2022-03-23. Review status: criteria provided, single submitter. Criteria: GeneDx Variant Classification Process June 2021. Collection method: clinical testing. Allele origin: germline. Affected: yes.
Comment: Not observed at significant frequency in large population cohorts (gnomAD); In silico analysis supports that this missense variant has a deleterious effect on protein structure/function; Has not been previously published as pathogenic or benign to our knowledge

NM_017617.5(NOTCH1):c.4852C>T (p.Pro1618Ser)

Gene: NOTCH1 (notch receptor 1; minus strand). Cytogenetic location: 9q34.3.
Variant type: single nucleotide variant.
Coding change: c.4852C>T on transcript NM_017617.5 (MANE Select); coding-DNA position 4852, C replaced by T.
Protein change: p.Pro1618Ser; replaces proline 1618 with serine.
Molecular consequence: missense variant.
Genome position (GRCh38, 1-based): chr9:136,504,839, G>A on the plus strand (C>T on the coding strand, the complement: NOTCH1 is on the minus strand). VCF-style: chr9-136504839-G-A. GRCh37 (hg19) VCF-style: chr9-139399291-G-A.
Other names: short protein forms P1618S.
Identifiers: ClinVar variation 1707085 (VCV001707085.4), dbSNP rs1406481520, ClinGen allele CA375644672.